The following is an entry in ClinVar:

ClinVar aggregate classification (germline): Pathogenic (1 of 4 stars; one submission).

Conditions:
Hereditary hemochromatosis (HFE). Identifiers: MedGen C0392514, MONDO:0006507. Disease mechanism: loss of function.

Submission:

Labcorp Genetics (formerly Invitae), Labcorp
Classification: Pathogenic for Hereditary hemochromatosis. Last evaluated: 2022-12-02. Review status: criteria provided, single submitter. Criteria: Invitae Variant Classification Sherloc (09022015). Collection method: clinical testing. Allele origin: germline.
Comment: This sequence change creates a premature translational stop signal (p.Asp699Glyfs*95) in the TFR2 gene. While this is not anticipated to result in nonsense mediated decay, it is expected to disrupt the last 103 amino acid(s) of the TFR2 protein. For these reasons, this variant has been classified as Pathogenic. This variant disrupts a region of the TFR2 protein in which other variant(s) (p.Gly792Arg) have been determined to be pathogenic (PMID: 16424658, 26029709). This suggests that this is a clinically significant region of the protein, and that variants that disrupt it are likely to be disease-causing. This variant has not been reported in the literature in individuals affected with TFR2-related conditions. This variant is not present in population databases (gnomAD no frequency).

Literature cited by the submitters: PubMed 16424658; PubMed 26029709.

NM_003227.4(TFR2):c.2089_2095dup (p.Asp699fs)

Genes: TFR2 (transferrin receptor 2; minus strand), LOC113687175 (Sharpr-MPRA regulatory region 4647; plus strand). Cytogenetic location: 7q22.1.
Variant type: Duplication.
Coding change: c.2089_2095dup on transcript NM_003227.4 (MANE Select); coding-DNA positions 2089 to 2095, 7 bases duplicated (GAGAGAG; older notation c.2089_2095dupGAGAGAG).
Protein change: p.Asp699fs; shifts the reading frame from aspartic acid 699.
Molecular consequence: frameshift variant.
Genome position (GRCh38, 1-based): chr7:100,626,804-100,626,810, CTCTCTC duplicated on the plus strand (GAGAGAG on the coding strand, the reverse complement: TFR2 is on the minus strand); duplicating any 7 consecutive bases within chr7:100,626,804-100,626,813 gives the same sequence; the c. name uses the placement nearest the transcript's 3' end. VCF-style (leftmost placement, unchanged base first): chr7-100626803-T-TCTCTCTC. GRCh37 (hg19) VCF-style: chr7-100224426-T-TCTCTCTC.
Other names: c.1576_1582dup, p.Asp528fs (NM_001206855.3); short protein forms D699fs, D528fs.
Identifiers: ClinVar variation 2815191 (VCV002815191.3), dbSNP rs2486114892, ClinGen allele CA2739279569.
Genomic context (GRCh38, chr7:100,626,803, plus strand): 5'-CGAGGAGGGCGGGGCCTCACCCGCATTATGCGCACGTTGTACATGCGTGTCAGTCGCTCG[T>TCTCTCTC]CTCTCTCCTCCGAGCTGTAGATCTCCTGCCGCAGCTTTTCCGCCGCCCGGATGTAGTCCC-3'